The following is an entry in ClinVar:

NM_000536.4(RAG2):c.535del (p.Leu179fs)

Gene: RAG2 (recombination activating 2; minus strand). Cytogenetic location: 11p12.
Variant type: Deletion.
Coding change: c.535del on transcript NM_000536.4 (MANE Select); coding-DNA position 535, one base deleted (C; older notation c.535delC).
Protein change: p.Leu179fs; shifts the reading frame from leucine 179.
Molecular consequence: frameshift variant.
Genome position (GRCh38, 1-based): chr11:36,593,634, G deleted on the plus strand (C on the coding strand, the reverse complement: RAG2 is on the minus strand); the first of 2 consecutive G bases (chr11:36,593,634-36,593,635); deleting either gives the same sequence. VCF-style (leftmost placement, unchanged base first): chr11-36593633-AG-A. GRCh37 (hg19) VCF-style: chr11-36615183-AG-A.
Other names: c.535del, p.Leu179fs (NM_001243785.2, NM_001243786.2); short protein forms L179fs.
Identifiers: ClinVar variation 1457376 (VCV001457376.8), dbSNP rs2133314424, ClinGen allele CA2573146311.

ClinVar aggregate classification (germline): Pathogenic (1 of 4 stars; one submission).

Conditions:
Severe combined immunodeficiency, autosomal recessive, T cell-negative, B cell-negative, NK cell-positive. Also called: SCID, T CELL-NEGATIVE, B CELL-NEGATIVE, NK CELL-POSITIVE; SCID, AR, T-cell negative, B-cell negative, NK cell-positive; Severe combined immunodeficiency due to complete RAG1/2 deficiency. Identifiers: Orphanet 331206, MedGen C1832322, MONDO:0011086, OMIM 601457.
Combined immunodeficiency with skin granulomas. Identifiers: Orphanet 157949, MedGen C2673536, MONDO:0009306, OMIM 233650.

Submission:

Labcorp Genetics (formerly Invitae), Labcorp
Classification: Pathogenic for Combined immunodeficiency with skin granulomas; Severe combined immunodeficiency, autosomal recessive, T cell-negative, B cell-negative, NK cell-positive. Last evaluated: 2022-11-28. Review status: criteria provided, single submitter. Criteria: Invitae Variant Classification Sherloc (09022015). Collection method: clinical testing. Allele origin: germline.
Comment: ClinVar contains an entry for this variant (Variation ID: 1457376). This variant disrupts a region of the RAG2 protein in which other variant(s) (p.Glu480*) have been determined to be pathogenic (PMID: 21624848, 29772310). This suggests that this is a clinically significant region of the protein, and that variants that disrupt it are likely to be disease-causing. For these reasons, this variant has been classified as Pathogenic. This variant has not been reported in the literature in individuals affected with RAG2-related conditions. This sequence change creates a premature translational stop signal (p.Leu179Cysfs*41) in the RAG2 gene. While this is not anticipated to result in nonsense mediated decay, it is expected to disrupt the last 349 amino acid(s) of the RAG2 protein. This variant is not present in population databases (gnomAD no frequency).

Literature cited by the submitters: PubMed 21624848; PubMed 29772310.